The following is an entry in ClinVar:

ClinVar aggregate classification (germline): Uncertain significance (1 of 4 stars; one submission).

Conditions:
Emery-Dreifuss muscular dystrophy 4, autosomal dominant (EDMD4). Also called: EMERY-DREIFUSS MUSCULAR DYSTROPHY 4 WITH VARIABLE FEATURES. Identifiers: Orphanet 261, MedGen C2751807, MONDO:0013071, OMIM 612998.
Autosomal recessive ataxia, Beauce type. Also called: Spinocerebellar ataxia, autosomal recessive 8; ATAXIA, RECESSIVE, OF BEAUCE; SYNE1 Deficiency; SYNE1-Related Autosomal Recessive Cerebellar Ataxia. Identifiers: Orphanet 88644, MedGen C1853116, MONDO:0012549, OMIM 610743.

Allele frequency attached by ClinVar (database versions not stated): gnomAD exomes below 0.00001; gnomAD 0.00001.
gnomAD v4.1: 4 of 1,613,664 alleles (0.00025%); highest among the groups gnomAD compares: East Asian, 0.0067%; no homozygotes.

Submission:

Labcorp Genetics (formerly Invitae), Labcorp
Classification: Uncertain significance for Emery-Dreifuss muscular dystrophy 4, autosomal dominant; Autosomal recessive ataxia, Beauce type. Last evaluated: 2022-03-18. Review status: criteria provided, single submitter. Criteria: Invitae Variant Classification Sherloc (09022015). Collection method: clinical testing. Allele origin: germline.
Comment: This sequence change replaces serine, which is neutral and polar, with threonine, which is neutral and polar, at codon 503 of the SYNE1 protein (p.Ser503Thr). This variant is present in population databases (no rsID available, gnomAD 0.06%). This missense change has been observed in individual(s) with limb-girdle muscular dystrophy (PMID: 27066551). Algorithms developed to predict the effect of missense changes on protein structure and function are either unavailable or do not agree on the potential impact of this missense change (SIFT: "Deleterious"; PolyPhen-2: "Possibly Damaging"; Align-GVGD: "Class C0"). Algorithms developed to predict the effect of sequence changes on RNA splicing suggest that this variant may create or strengthen a splice site. In summary, the available evidence is currently insufficient to determine the role of this variant in disease. Therefore, it has been classified as a Variant of Uncertain Significance.

Literature cited by the submitters: PubMed 27066551.

NM_182961.4(SYNE1):c.1486T>A (p.Ser496Thr)

Gene: SYNE1 (spectrin repeat containing nuclear envelope protein 1; minus strand). Cytogenetic location: 6q25.2.
Variant type: single nucleotide variant.
Coding change: c.1486T>A on transcript NM_182961.4 (MANE Select); coding-DNA position 1486, T replaced by A.
Protein change: p.Ser496Thr; replaces serine 496 with threonine.
Molecular consequence: missense variant.
Genome position (GRCh38, 1-based): chr6:152,471,743, A>T on the plus strand (T>A on the coding strand, the complement: SYNE1 is on the minus strand). VCF-style: chr6-152471743-A-T. GRCh37 (hg19) VCF-style: chr6-152792878-A-T.
Other names: c.1507T>A, p.Ser503Thr (NM_033071.5); short protein forms S503T, S496T.
Identifiers: ClinVar variation 1447556 (VCV001447556.6), dbSNP rs1392726878, ClinGen allele CA366133608.